The following is an entry in ClinVar:

ClinVar aggregate classification (germline): Uncertain significance. Review status: criteria provided, multiple submitters, no conflicts (2 of 4 stars). 2 submissions from 2 submitters: Uncertain significance (2). Last evaluated 2021-03-25.

Conditions:
Retinitis pigmentosa 60 (RP60). Also called: PRPF 6-Related Retinitis Pigmentosa. Identifiers: Orphanet 791, MedGen C3151434, MONDO:0013516, OMIM 613983.

Allele frequency attached by ClinVar (database versions not stated): gnomAD 0.00001; TOPMed 0.00001.
gnomAD v4.1: 1 of 1,614,078 alleles (0.000062%); highest among the groups gnomAD compares: Non-Finnish European, 0.000085%; no homozygotes.

Submissions (2):

Blueprint Genetics
Classification: Uncertain significance. Last evaluated: 2021-03-25. Review status: criteria provided, single submitter. Criteria: ACMG Guidelines, 2015. Collection method: clinical testing. Allele origin: germline.

Centre for Mendelian Genomics, University Medical Centre Ljubljana
Classification: Uncertain significance for Retinitis pigmentosa 60. Last evaluated: 2019-08-19. Review status: criteria provided, single submitter. Criteria: ACMG Guidelines, 2015. Collection method: clinical testing. Allele origin: unknown. Affected: yes.
Comment: This variant was classified as: Uncertain significance. The available evidence on this variant's pathogenicity is insufficient or conflicting. The following ACMG criteria were applied in classifying this variant: PM2.

NM_012469.4(PRPF6):c.1582G>A (p.Ala528Thr)

Genes: PRPF6 (pre-mRNA processing factor 6; plus strand), LOC126863090 (P300/CBP strongly-dependent group 1 enhancer GRCh37_chr20:62648052-62649251; plus strand). Cytogenetic location: 20q13.33.
Variant type: single nucleotide variant.
Coding change: c.1582G>A on transcript NM_012469.4 (MANE Select); coding-DNA position 1582, G replaced by A.
Protein change: p.Ala528Thr; replaces alanine 528 with threonine.
Molecular consequence: missense variant.
Genome position (GRCh38, 1-based): chr20:64,016,780, G>A. VCF-style: chr20-64016780-G-A. GRCh37 (hg19) VCF-style: chr20-62648133-G-A.
Other names: short protein forms A528T.
Identifiers: ClinVar variation 930523 (VCV000930523.4), dbSNP rs2059240399, ClinGen allele CA409729658.